The following is an entry in ClinVar:

NM_005902.4(SMAD3):c.872-309C>T

Gene: SMAD3 (SMAD family member 3; plus strand). Cytogenetic location: 15q22.33.
Variant type: single nucleotide variant.
Coding change: c.872-309C>T on transcript NM_005902.4 (MANE Select); 309 bases into the intron before coding-DNA position 872, C replaced by T.
Molecular consequence: intron variant.
Genome position (GRCh38, 1-based): chr15:67,184,418, C>T. VCF-style: chr15-67184418-C-T. GRCh37 (hg19) VCF-style: chr15-67476756-C-T.
Other names: c.557-309C>T (NM_001145102.2); c.740-309C>T (NM_001145103.2); c.287-309C>T (NM_001145104.2).
Identifiers: ClinVar variation 683847 (VCV000683847.1), dbSNP rs7181543, ClinGen allele CA14104833.

ClinVar aggregate classification (germline): Benign (1 of 4 stars; one submission).

Allele frequency attached by ClinVar (database versions not stated): gnomAD 0.21340 and 0.22068; TOPMed 0.22612; 1000 Genomes Project 30x 0.25750; 1000 Genomes Project 0.26398.
gnomAD v4.1: 33,609 of 152,108 alleles (22%); highest among the groups gnomAD compares: East Asian, 47%; 4,252 homozygotes.

Submission:

GeneDx
Classification: Benign. Last evaluated: 2018-06-18. Review status: criteria provided, single submitter. Criteria: GeneDx Variant Classification (06012015). Collection method: clinical testing. Allele origin: germline. Affected: yes.
Comment: This variant is considered likely benign or benign based on one or more of the following criteria: it is a conservative change, it occurs at a poorly conserved position in the protein, it is predicted to be benign by multiple in silico algorithms, and/or has population frequency not consistent with disease.